The following is an entry in ClinVar:

ClinVar aggregate classification (germline): Uncertain significance (1 of 4 stars; one submission).

gnomAD v4.1: 3 of 1,590,338 alleles (0.00019%); highest among the groups gnomAD compares: African/African-American, 0.004%; no homozygotes.

Submission:

Labcorp Genetics (formerly Invitae), Labcorp
Classification: Uncertain significance. Last evaluated: 2024-11-03. Review status: criteria provided, single submitter. Criteria: Invitae Variant Classification Sherloc (09022015). Collection method: clinical testing. Allele origin: germline.
Comment: This sequence change replaces isoleucine, which is neutral and non-polar, with methionine, which is neutral and non-polar, at codon 58 of the GNB3 protein (p.Ile58Met). This variant is present in population databases (rs369522214, gnomAD 0.007%). This variant has not been reported in the literature in individuals affected with GNB3-related conditions. Invitae Evidence Modeling of protein sequence and biophysical properties (such as structural, functional, and spatial information, amino acid conservation, physicochemical variation, residue mobility, and thermodynamic stability) has been performed for this missense variant. However, the output from this modeling did not meet the statistical confidence thresholds required to predict the impact of this variant on GNB3 protein function. Algorithms developed to predict the effect of sequence changes on RNA splicing suggest that this variant may create or strengthen a splice site. In summary, the available evidence is currently insufficient to determine the role of this variant in disease. Therefore, it has been classified as a Variant of Uncertain Significance.

NM_002075.4(GNB3):c.174T>G (p.Ile58Met)

Gene: GNB3 (G protein subunit beta 3; plus strand). Cytogenetic location: 12p13.31.
Variant type: single nucleotide variant.
Coding change: c.174T>G on transcript NM_002075.4 (MANE Select); coding-DNA position 174, T replaced by G.
Protein change: p.Ile58Met; replaces isoleucine 58 with methionine.
Molecular consequence: missense variant.
Genome position (GRCh38, 1-based): chr12:6,843,047, T>G. VCF-style: chr12-6843047-T-G. GRCh37 (hg19) VCF-style: chr12-6952211-T-G.
Other names: c.174T>G, p.Ile58Met (NM_001297571.2); short protein forms I58M.
Identifiers: ClinVar variation 3607512 (VCV003607512.2).
Genomic context (GRCh38, chr12:6,843,047, plus strand): 5'-GGTGGTGGGACGAGTCCAGATGCGGACGCGGCGGACGTTAAGGGGACACCTGGCCAAGAT[T>G]TACGCCATGCACTGGGCCACTGATTCTAAGTGAGGCTTGGGGGGGAACCGAGAATGGGAG-3'
Protein context (NP_002066.1, residues 48-68): RRTLRGHLAK[Ile58Met]YAMHWATDSK